The following is an entry in ClinVar:

ClinVar aggregate classification (germline): Uncertain significance (1 of 4 stars; one submission).

Allele frequency attached by ClinVar (database versions not stated): gnomAD 0.00001; TOPMed 0.00001.
gnomAD v4.1: 11 of 1,613,996 alleles (0.00068%); highest among the groups gnomAD compares: Middle Eastern, 0.033%; no homozygotes.

Submission:

CeGaT Center for Human Genetics Tuebingen
Classification: Uncertain significance. Last evaluated: 2024-02-01. Review status: criteria provided, single submitter. Criteria: CeGaT Center For Human Genetics Tuebingen Variant Classification Criteria Version 2. Collection method: clinical testing. Allele origin: germline. Affected: yes. Observed: 1 variant allele.
Comment: DNAH8: PM2, BP4

NM_001206927.2(DNAH8):c.9637G>C (p.Asp3213His)

Genes: DNAH8 (dynein axonemal heavy chain 8; plus strand), DNAH8-AS1 (DNAH8 antisense RNA 1; minus strand). Cytogenetic location: 6p21.2.
Variant type: single nucleotide variant.
Coding change: c.9637G>C on transcript NM_001206927.2 (MANE Select); coding-DNA position 9637, G replaced by C.
Protein change: p.Asp3213His; replaces aspartic acid 3213 with histidine.
Molecular consequence: missense variant.
Genome position (GRCh38, 1-based): chr6:38,909,641, G>C. VCF-style: chr6-38909641-G-C. GRCh37 (hg19) VCF-style: chr6-38877417-G-C.
Other names: c.8986G>C, p.Asp2996His (NM_001371.4); short protein forms D2996H, D3213H.
Identifiers: ClinVar variation 3024914 (VCV003024914.22), dbSNP rs959402323, ClinGen allele CA137570990.